The following is an entry in ClinVar:

NM_014236.4(GNPAT):c.925-16G>A

Gene: GNPAT (glyceronephosphate O-acyltransferase; plus strand). Cytogenetic location: 1q42.2.
Variant type: single nucleotide variant.
Coding change: c.925-16G>A on transcript NM_014236.4 (MANE Select); 16 bases into the intron before coding-DNA position 925, G replaced by A.
Molecular consequence: intron variant.
Genome position (GRCh38, 1-based): chr1:231,266,261, G>A. VCF-style: chr1-231266261-G-A. GRCh37 (hg19) VCF-style: chr1-231402007-G-A.
Other names: c.742-16G>A (NM_001316350.2).
Identifiers: ClinVar variation 516533 (VCV000516533.22), dbSNP rs41305723, ClinGen allele CA1451927.
Genomic context (GRCh38, chr1:231,266,261, plus strand): 5'-GTGCTGACTGACACATCAACTAATTTCTAAATTTACTGCTTTTCGTTTTCTTCCCCCCCT[G>A]TTATGGTACTATTAGGGGTTGCTGAAAGCCAGAAAGATTCTCTCTGAAAATTTTGGAAGC-3'

ClinVar aggregate classification (germline): Benign/Likely benign. Review status: criteria provided, multiple submitters, no conflicts (2 of 4 stars). 5 submissions from 5 submitters: Benign (1); Likely benign (3). 1 of the submissions does not count toward it. Last evaluated 2026-02-04.

Conditions:
Rhizomelic chondrodysplasia punctata type 2 (RCDP2). Also called: glyceronephosphate O-acyltransferase (GNPAT) deficiency; DHAPAT DEFICIENCY; DIHYDROXYACETONEPHOSPHATE ACYLTRANSFERASE DEFICIENCY; Glyceronephosphate O-acyltransferase deficiency; PEROXISOMAL DIHYDROXYACETONEPHOSPHATE ACYLTRANSFERASE DEFICIENCY; Chondrodysplasia punctata, rhizomelic, due to dihydroxyacetonephosphate acyltransferase deficiency. Identifiers: Orphanet 177, Orphanet 309796, MedGen C1857242, MONDO:0100273, OMIM 222765. Disease mechanism: loss of function.

Allele frequency attached by ClinVar (database versions not stated): gnomAD 0.00157 and 0.00160; TOPMed 0.00143; 1000 Genomes Project 30x 0.00125; 1000 Genomes Project 0.00080; ExAC 0.00169.
gnomAD v4.1: 3,147 of 1,610,986 alleles (0.2%); highest among the groups gnomAD compares: Non-Finnish European, 0.23%; 12 homozygotes.

Submissions (9):

Labcorp Genetics (formerly Invitae), Labcorp
Classification: Benign. Last evaluated: 2026-02-04. Review status: criteria provided, single submitter. Criteria: Invitae Variant Classification Sherloc (09022015). Collection method: clinical testing. Allele origin: germline.

Blueprint Genetics
Classification: Likely benign. Last evaluated: 2024-11-13. Review status: criteria provided, single submitter. Criteria: ACMG Guidelines, 2015. Collection method: clinical testing. Allele origin: germline.

ARUP Laboratories, Molecular Genetics and Genomics, ARUP Laboratories
Classification: Likely benign for Rhizomelic chondrodysplasia punctata type 2. Last evaluated: 2023-10-20. Review status: criteria provided, single submitter. Criteria: ARUP Molecular Germline Variant Investigation Process 2024. Collection method: clinical testing. Allele origin: germline.

GeneDx
Classification: Likely benign. Last evaluated: 2017-03-02. Review status: criteria provided, single submitter. Criteria: GeneDx Variant Classification (06012015). Collection method: clinical testing. Allele origin: germline. Affected: yes.
Comment: This variant is considered likely benign or benign based on one or more of the following criteria: it is a conservative change, it occurs at a poorly conserved position in the protein, it is predicted to be benign by multiple in silico algorithms, and/or has population frequency not consistent with disease.

Mayo Clinic Laboratories, Mayo Clinic
Classification: Likely benign. Last evaluated: 2017-04-17. Review status: no assertion criteria provided. Collection method: clinical testing. Allele origin: unknown. Not counted in ClinVar's aggregate classification.

Dr. Peter K. Rogan Lab, Western University
No classification provided (evidence only). Condition: Lung cancer. Review status: no classification provided. Collection method: in vitro. Allele origin: not applicable. Functional consequence: retained intron. Not counted in ClinVar's aggregate classification.

Dr. Peter K. Rogan Lab, Western University
No classification provided (evidence only). Condition: Lung cancer. Review status: no classification provided. Collection method: in vitro. Allele origin: not applicable. Functional consequence: retained intron. Not counted in ClinVar's aggregate classification.

Dr. Peter K. Rogan Lab, Western University
No classification provided (evidence only). Condition: Acute myeloid leukemia. Review status: no classification provided. Collection method: in vitro. Allele origin: not applicable. Functional consequence: retained intron. Not counted in ClinVar's aggregate classification.

Dr. Peter K. Rogan Lab, Western University
No classification provided (evidence only). Condition: Ovarian serous cystadenocarcinoma. Review status: no classification provided. Collection method: in vitro. Allele origin: not applicable. Functional consequence: retained intron. Not counted in ClinVar's aggregate classification.